The following is an entry in ClinVar:

ClinVar aggregate classification (germline): Likely benign. Review status: criteria provided, single submitter (1 of 4 stars). 2 submissions from 2 submitters: Likely benign (1). 1 of the submissions does not count toward it. Last evaluated 2023-11-13.

Conditions:
SRCAP-related disorder. Also called: SRCAP-related condition.

Allele frequency attached by ClinVar (database versions not stated): gnomAD exomes 0.00002 and 0.00004; ExAC 0.00007; gnomAD 0.00021; TOPMed 0.00022; ESP Exome Variant Server 0.00023; 1000 Genomes Project 30x 0.00047; 1000 Genomes Project 0.00060.
gnomAD v4.1: 60 of 1,613,572 alleles (0.0037%); highest among the groups gnomAD compares: African/African-American, 0.073%; no homozygotes.

Submissions (2):

Labcorp Genetics (formerly Invitae), Labcorp
Classification: Likely benign. Last evaluated: 2023-11-13. Review status: criteria provided, single submitter. Criteria: Invitae Variant Classification Sherloc (09022015). Collection method: clinical testing. Allele origin: germline.

PreventionGenetics, part of Exact Sciences
Classification: Likely benign for SRCAP-related condition. Last evaluated: 2019-07-15. Review status: no assertion criteria provided. Collection method: clinical testing. Allele origin: germline. Not counted in ClinVar's aggregate classification.
Comment: This variant is classified as likely benign based on ACMG/AMP sequence variant interpretation guidelines (Richards et al. 2015 PMID: 25741868, with internal and published modifications).

NM_006662.3(SRCAP):c.6129A>G (p.Gly2043=)

Gene: SRCAP (Snf2 related CREBBP activator protein; plus strand). Cytogenetic location: 16p11.2.
Variant type: single nucleotide variant.
Coding change: c.6129A>G on transcript NM_006662.3 (MANE Select); coding-DNA position 6129, A replaced by G.
Protein change: p.Gly2043=; no amino-acid change (glycine 2043 retained).
Molecular consequence: synonymous variant.
Genome position (GRCh38, 1-based): chr16:30,733,281, A>G. VCF-style: chr16-30733281-A-G. GRCh37 (hg19) VCF-style: chr16-30744602-A-G.
Other names: c.6129A>G (NM_006662.2).
Identifiers: ClinVar variation 1594636 (VCV001594636.9), dbSNP rs142252684, ClinGen allele CA8012172.